The following is an entry in ClinVar:

NM_001173464.2(KIF21A):c.415G>T (p.Ala139Ser)

Gene: KIF21A (kinesin family member 21A; minus strand). Cytogenetic location: 12q12.
Variant type: single nucleotide variant.
Coding change: c.415G>T on transcript NM_001173464.2 (MANE Select); coding-DNA position 415, G replaced by T.
Protein change: p.Ala139Ser; replaces alanine 139 with serine.
Molecular consequence: missense variant.
Genome position (GRCh38, 1-based): chr12:39,369,764, C>A on the plus strand (G>T on the coding strand, the complement: KIF21A is on the minus strand). VCF-style: chr12-39369764-C-A. GRCh37 (hg19) VCF-style: chr12-39763566-C-A.
Other names: c.415G>T, p.Ala139Ser (NM_001173463.2, NM_001173465.2, NM_017641.4); c.415G>T (NM_001173464.1); short protein forms A139S.
Identifiers: ClinVar variation 734626 (VCV000734626.8), dbSNP rs113878846, ClinGen allele CA6511277.
Genomic context (GRCh38, chr12:39,369,764, plus strand): 5'-ATTAATGCCAAAATTGGATTATTACCTCTAAGAATTGGGCATTCACTTTAAAATCTGGAG[C>A]AGGAAGCCCATTTTTAATTGCTATGTGTTTTTTTTCTTCAATACTCTTAAAAAGGTGTTT-3'
Protein context (NP_001166935.1, residues 129-149): KHIAIKNGLP[Ala139Ser]PDFKVNAQFL

ClinVar aggregate classification (germline): Conflicting classifications of pathogenicity. Review status: criteria provided, conflicting classifications (1 of 4 stars). 3 submissions from 3 submitters: Uncertain significance (1); Likely benign (1). 1 of the submissions does not count toward it. Last evaluated 2022-05-27.

Conditions:
KIF21A-related disorder. Also called: KIF21A-related condition.
Inborn genetic diseases. Identifiers: MedGen C0950123, MeSH D030342.

Allele frequency attached by ClinVar (database versions not stated): ExAC 0.00029; 1000 Genomes Project 30x 0.00062; 1000 Genomes Project 0.00080; ESP Exome Variant Server 0.00085; gnomAD 0.00107 and 0.00118; TOPMed 0.00127.
gnomAD v4.1: 304 of 1,612,862 alleles (0.019%); highest among the groups gnomAD compares: African/African-American, 0.34%; no homozygotes.

Submissions (3):

Ambry Genetics
Classification: Uncertain significance for Inborn genetic diseases. Last evaluated: 2022-05-27. Review status: criteria provided, single submitter. Criteria: Ambry Variant Classification Scheme 2023. Collection method: clinical testing. Allele origin: germline.

Labcorp Genetics (formerly Invitae), Labcorp
Classification: Likely benign. Last evaluated: 2018-06-29. Review status: criteria provided, single submitter. Criteria: Invitae Variant Classification Sherloc (09022015). Collection method: clinical testing. Allele origin: germline.

PreventionGenetics, part of Exact Sciences
Classification: Likely benign for KIF21A-related condition. Last evaluated: 2019-09-13. Review status: no assertion criteria provided. Collection method: clinical testing. Allele origin: germline. Not counted in ClinVar's aggregate classification.
Comment: This variant is classified as likely benign based on ACMG/AMP sequence variant interpretation guidelines (Richards et al. 2015 PMID: 25741868, with internal and published modifications).